The following is an entry in ClinVar:

ClinVar aggregate classification (germline): Uncertain significance. Review status: criteria provided, multiple submitters, no conflicts (2 of 4 stars). 6 submissions from 6 submitters: Uncertain significance (5). 1 of the submissions does not count toward it. Last evaluated 2025-02-16.

Conditions:
Autosomal recessive limb-girdle muscular dystrophy type 2A (LGMDR1). Also called: Muscular dystrophy, limb-girdle, type 2A, Amish; Calpainopathy; LEYDEN-MOEBIUS MUSCULAR DYSTROPHY; MUSCULAR DYSTROPHY, PELVOFEMORAL; Limb-girdle muscular dystrophy, type 2A. Identifiers: Orphanet 267, MedGen C1869123, MONDO:0009675, OMIM 253600. Disease mechanism: loss of function.

Allele frequency attached by ClinVar (database versions not stated): TOPMed 0.00007.
gnomAD v4.1: 64 of 1,614,218 alleles (0.004%); highest among the groups gnomAD compares: East Asian, 0.076%; no homozygotes.

Submissions (6):

GeneDx
Classification: Uncertain significance. Last evaluated: 2025-02-16. Review status: criteria provided, single submitter. Criteria: GeneDx Variant Classification Process June 2021. Collection method: clinical testing. Allele origin: germline. Affected: yes.
Comment: Reported as a single heterozygous variant of uncertain significance in an adult with progressive limb girdle muscular weakness; functional studies on the patient's muscle biopsy revealed that mRNA is transcribed but CAPN3 protein synthesis is reduced (PMID: 38391941); Reported in the heterozygous state in a patient with hyperCKemia; however, no additional information was provided (PMID: 31517061); In silico analysis supports that this missense variant has a deleterious effect on protein structure/function; This variant is associated with the following publications: (PMID: 38391941, 31517061, 35299674)

Women's Health and Genetics/Laboratory Corporation of America, LabCorp
Classification: Uncertain significance. Last evaluated: 2024-11-26. Review status: criteria provided, single submitter. Criteria: LabCorp Variant Classification Summary - May 2015. Collection method: clinical testing. Allele origin: germline.
Comment: Variant summary: CAPN3 c.526G>A (p.Val176Met) results in a conservative amino acid change located in the Peptidase C2, calpain, catalytic domain (IPR001300) of the encoded protein sequence. Four of five in-silico tools predict a damaging effect of the variant on protein function. The variant allele was found at a frequency of 0.00012 in 251448 control chromosomes. This frequency is not significantly higher than estimated for a pathogenic variant in CAPN3 causing Autosomal Recessive Limb-Girdle Muscular Dystrophy (0.00012 vs 0.0032), allowing no conclusion about variant significance. c.526G>A has been reported in the literature in the heterozygous state in at least one individual suspected of Limb-Girdle Muscular Dystrophy (e.g. Rubegni_2019, Aguti_2024). These reports do not provide unequivocal conclusions about association of the variant with Limb-Girdle Muscular Dystrophy. To our knowledge, no experimental evidence demonstrating an impact on protein function has been reported. The following publications have been ascertained in the context of this evaluation (PMID: 38391941, 31517061). ClinVar contains an entry for this variant (Variation ID: 884887). Based on the evidence outlined above, the variant was classified as uncertain significance.

Labcorp Genetics (formerly Invitae), Labcorp
Classification: Uncertain significance for Autosomal recessive limb-girdle muscular dystrophy type 2A. Last evaluated: 2024-07-29. Review status: criteria provided, single submitter. Criteria: Invitae Variant Classification Sherloc (09022015). Collection method: clinical testing. Allele origin: germline.
Comment: This sequence change replaces valine, which is neutral and non-polar, with methionine, which is neutral and non-polar, at codon 176 of the CAPN3 protein (p.Val176Met). This variant is present in population databases (rs774114705, gnomAD 0.1%). This missense change has been observed in individual(s) with clinical features of limb girdle muscular dystrophy (PMID: 31517061). ClinVar contains an entry for this variant (Variation ID: 884887). Advanced modeling of protein sequence and biophysical properties (such as structural, functional, and spatial information, amino acid conservation, physicochemical variation, residue mobility, and thermodynamic stability) performed at Invitae indicates that this missense variant is expected to disrupt CAPN3 protein function with a positive predictive value of 80%. This variant disrupts the p.Val176 amino acid residue in CAPN3. Other variant(s) that disrupt this residue have been observed in individuals with CAPN3-related conditions (PMID: 25079074; Invitae), which suggests that this may be a clinically significant amino acid residue. In summary, the available evidence is currently insufficient to determine the role of this variant in disease. Therefore, it has been classified as a Variant of Uncertain Significance.

Revvity Omics, Revvity
Classification: Uncertain significance. Last evaluated: 2019-10-09. Review status: criteria provided, single submitter. Criteria: ACMG Guidelines, 2015. Collection method: clinical testing. Allele origin: germline.

Illumina Laboratory Services, Illumina
Classification: Uncertain significance for Limb-girdle muscular dystrophy, type 2A. Last evaluated: 2018-01-12. Review status: criteria provided, single submitter. Criteria: ICSL Variant Classification Criteria 13 December 2019. Collection method: clinical testing. Allele origin: germline.

Natera, Inc.
Classification: Uncertain significance for Limb-girdle muscular dystrophy type 2A. Last evaluated: 2020-02-06. Review status: no assertion criteria provided. Collection method: clinical testing. Allele origin: germline. Not counted in ClinVar's aggregate classification.

Literature cited by the submitters: PubMed 31517061 (cited by Women's Health and Genetics/Laboratory Corporation of America, LabCorp and Labcorp Genetics (formerly Invitae), Labcorp); PubMed 38391941 (cited by Women's Health and Genetics/Laboratory Corporation of America, LabCorp); PubMed 25079074 (cited by Labcorp Genetics (formerly Invitae), Labcorp).

NM_000070.3(CAPN3):c.526G>A (p.Val176Met)

Gene: CAPN3 (calpain 3; plus strand). Cytogenetic location: 15q15.1.
Variant type: single nucleotide variant.
Coding change: c.526G>A on transcript NM_000070.3 (MANE Select); coding-DNA position 526, G replaced by A.
Protein change: p.Val176Met; replaces valine 176 with methionine.
Molecular consequence: missense variant.
Genome position (GRCh38, 1-based): chr15:42,387,780, G>A. VCF-style: chr15-42387780-G-A. GRCh37 (hg19) VCF-style: chr15-42679978-G-A.
Other names: c.526G>A, p.Val176Met (NM_024344.2, NM_173087.2); short protein forms V176M.
Identifiers: ClinVar variation 884887 (VCV000884887.18), dbSNP rs774114705, ClinGen allele CA7511050.